The following is an entry in ClinVar:

NM_004281.4(BAG3):c.1057C>T (p.Gln353Ter)

Gene: BAG3 (BAG cochaperone 3; plus strand). Cytogenetic location: 10q26.11.
Variant type: single nucleotide variant.
Coding change: c.1057C>T on transcript NM_004281.4 (MANE Select); coding-DNA position 1057, C replaced by T.
Protein change: p.Gln353Ter; replaces glutamine 353 with a stop codon.
Molecular consequence: nonsense.
Genome position (GRCh38, 1-based): chr10:119,676,611, C>T. VCF-style: chr10-119676611-C-T. GRCh37 (hg19) VCF-style: chr10-121436123-C-T.
Other names: short protein forms Q353*.
Identifiers: ClinVar variation 957818 (VCV000957818.9), dbSNP rs1847238300, ClinGen allele CA378296551.
Genomic context (GRCh38, chr10:119,676,611, plus strand): 5'-CCTCCTGGACACATCCCAATTCAAGTGATCCGCAAAGAGGTGGATTCTAAACCTGTTTCC[C>T]AGAAGCCCCCACCTCCCTCTGAGAAGGTAGAGGTGAAAGTTCCCCCTGCTCCAGTTCCTT-3'

ClinVar aggregate classification (germline): Pathogenic (1 of 4 stars; one submission).

Conditions:
Dilated cardiomyopathy 1HH (CMD1HH). Identifiers: Orphanet 154, MedGen C3151293, MONDO:0013479, OMIM 613881.
Myofibrillar myopathy 6. Identifiers: Orphanet 199340, MedGen C2751831, MONDO:0013061, OMIM 612954.

Submission:

Labcorp Genetics (formerly Invitae), Labcorp
Classification: Pathogenic for Dilated cardiomyopathy 1HH; Myofibrillar myopathy 6. Last evaluated: 2025-11-24. Review status: criteria provided, single submitter. Criteria: Invitae Variant Classification Sherloc (09022015). Collection method: clinical testing. Allele origin: germline.
Comment: This sequence change creates a premature translational stop signal (p.Gln353*) in the BAG3 gene. While this is not anticipated to result in nonsense mediated decay, it is expected to disrupt the last 223 amino acid(s) of the BAG3 protein. This variant is not present in population databases (gnomAD no frequency). This variant has not been reported in the literature in individuals affected with BAG3-related conditions. ClinVar contains an entry for this variant (Variation ID: 957818). This variant disrupts a region of the BAG3 protein in which other variant(s) (p.Glu414*, p.Tyr441*) have been determined to be pathogenic (PMID: 25008357; internal data). This suggests that this is a clinically significant region of the protein, and that variants that disrupt it are likely to be disease-causing. For these reasons, this variant has been classified as Pathogenic.

Literature cited by the submitters: PubMed 25008357.